The following is an entry in ClinVar:

ClinVar aggregate classification (germline): Uncertain significance (1 of 4 stars; one submission).

Allele frequency attached by ClinVar (database versions not stated): TOPMed below 0.00001; gnomAD 0.00001; gnomAD exomes 0.00001.
gnomAD v4.1: 10 of 1,121,104 alleles (0.00089%); highest among the groups gnomAD compares: Non-Finnish European, 0.0011%; no homozygotes.

Submission:

Labcorp Genetics (formerly Invitae), Labcorp
Classification: Uncertain significance. Last evaluated: 2022-07-19. Review status: criteria provided, single submitter. Criteria: Invitae Variant Classification Sherloc (09022015). Collection method: clinical testing. Allele origin: germline.
Comment: This sequence change falls in intron 8 of the PIGB gene. It does not directly change the encoded amino acid sequence of the PIGB protein. This variant is not present in population databases (gnomAD no frequency). This variant has not been reported in the literature in individuals affected with PIGB-related conditions. ClinVar contains an entry for this variant (Variation ID: 1465121). Algorithms developed to predict the effect of sequence changes on RNA splicing suggest that this variant may create or strengthen a splice site. In summary, the available evidence is currently insufficient to determine the role of this variant in disease. Therefore, it has been classified as a Variant of Uncertain Significance.

NM_004855.5(PIGB):c.1059-19A>G

Gene: PIGB (phosphatidylinositol glycan anchor biosynthesis class B; plus strand). Cytogenetic location: 15q21.3.
Variant type: single nucleotide variant.
Coding change: c.1059-19A>G on transcript NM_004855.5 (MANE Select); 19 bases into the intron before coding-DNA position 1059, A replaced by G.
Molecular consequence: intron variant.
Genome position (GRCh38, 1-based): chr15:55,341,719, A>G. VCF-style: chr15-55341719-A-G. GRCh37 (hg19) VCF-style: chr15-55633917-A-G.
Identifiers: ClinVar variation 1465121 (VCV001465121.3), dbSNP rs1301954127, ClinGen allele CA713962742.